The following is an entry in ClinVar:

NM_005236.3(ERCC4):c.2291del (p.Ser764fs)

Gene: ERCC4 (ERCC excision repair 4, endonuclease catalytic subunit; plus strand). Cytogenetic location: 16p13.12.
Variant type: Deletion.
Coding change: c.2291del on transcript NM_005236.3 (MANE Select); coding-DNA position 2291, one base deleted (G; older notation c.2291delG).
Protein change: p.Ser764fs; shifts the reading frame from serine 764.
Molecular consequence: frameshift variant.
Genome position (GRCh38, 1-based): chr16:13,947,887, G deleted. VCF-style (leftmost placement, unchanged base first): chr16-13947886-AG-A. GRCh37 (hg19) VCF-style: chr16-14041743-AG-A.
Other names: short protein forms S764fs.
Identifiers: ClinVar variation 929559 (VCV000929559.1), dbSNP rs2032549985, ClinGen allele CA1139664531.

ClinVar aggregate classification (germline): Uncertain significance (0 of 4 stars; one submission).

Submission:

Leiden Open Variation Database
Classification: Uncertain significance. Last evaluated: 2014-10-06. Review status: no assertion criteria provided. Collection method: curation. Allele origin: germline. Affected: yes.
Comment: Curator: Arleen D. Auerbach. Submitter to LOVD: Ana Osorio.

Literature cited by the submitters: PubMed 24027083.